The following is an entry in ClinVar:

NM_032578.4(MYPN):c.3757G>A (p.Gly1253Ser)

Gene: MYPN (myopalladin; plus strand). Cytogenetic location: 10q21.3.
Variant type: single nucleotide variant.
Coding change: c.3757G>A on transcript NM_032578.4 (MANE Select); coding-DNA position 3757, G replaced by A.
Protein change: p.Gly1253Ser; replaces glycine 1253 with serine.
Molecular consequence: missense variant. On other transcripts: non-coding transcript variant (2).
Genome position (GRCh38, 1-based): chr10:68,206,867, G>A. VCF-style: chr10-68206867-G-A. GRCh37 (hg19) VCF-style: chr10-69966624-G-A.
Other names: c.3757G>A (NM_032578.2); c.3757G>A, p.Gly1253Ser (NM_001256267.2); c.2875G>A, p.Gly959Ser (NM_001256268.2); short protein forms G959S, G1253S.
Identifiers: ClinVar variation 1400416 (VCV001400416.7), dbSNP rs1208726312, ClinGen allele CA376828627.

ClinVar aggregate classification (germline): Uncertain significance. Review status: criteria provided, multiple submitters, no conflicts (2 of 4 stars). 3 submissions from 3 submitters: Uncertain significance (3). Last evaluated 2025-08-18.

Conditions:
Cardiovascular phenotype. Identifiers: MedGen CN230736.
Dilated cardiomyopathy 1KK (CMD1KK). Identifiers: Orphanet 154, Orphanet 75249, MedGen C3714995, MONDO:0014100, OMIM 615248.

Allele frequency attached by ClinVar (database versions not stated): gnomAD exomes 0.00001; TOPMed 0.00001.
gnomAD v4.1: 11 of 1,614,198 alleles (0.00068%); highest among the groups gnomAD compares: African/African-American, 0.0027%; no homozygotes.

Submissions (3):

Labcorp Genetics (formerly Invitae), Labcorp
Classification: Uncertain significance for Dilated cardiomyopathy 1KK. Last evaluated: 2025-08-18. Review status: criteria provided, single submitter. Criteria: Invitae Variant Classification Sherloc (09022015). Collection method: clinical testing. Allele origin: germline.
Comment: This sequence change replaces glycine, which is neutral and non-polar, with serine, which is neutral and polar, at codon 1253 of the MYPN protein (p.Gly1253Ser). This variant is present in population databases (no rsID available, gnomAD 0.007%). This variant has not been reported in the literature in individuals affected with MYPN-related conditions. ClinVar contains an entry for this variant (Variation ID: 1400416). An algorithm developed to predict the effect of missense changes on protein structure and function (PolyPhen-2) suggests that this variant is likely to be disruptive. In summary, the available evidence is currently insufficient to determine the role of this variant in disease. Therefore, it has been classified as a Variant of Uncertain Significance.

Women's Health and Genetics/Laboratory Corporation of America, LabCorp
Classification: Uncertain significance. Last evaluated: 2025-07-09. Review status: criteria provided, single submitter. Criteria: LabCorp Variant Classification Summary - May 2015. Collection method: clinical testing. Allele origin: germline.

Ambry Genetics
Classification: Uncertain significance for Cardiovascular phenotype. Last evaluated: 2023-03-27. Review status: criteria provided, single submitter. Criteria: Ambry Variant Classification Scheme 2023. Collection method: clinical testing. Allele origin: germline.
Comment: The p.G1253S variant (also known as c.3757G>A), located in coding exon 18 of the MYPN gene, results from a G to A substitution at nucleotide position 3757. The glycine at codon 1253 is replaced by serine, an amino acid with similar properties. This amino acid position is conserved. In addition, this alteration is predicted to be deleterious by in silico analysis. Since supporting evidence is limited at this time, the clinical significance of this alteration remains unclear.